The following is an entry in ClinVar:

NM_002150.3(HPD):c.85G>A (p.Ala29Thr)

Genes: HPD (4-hydroxyphenylpyruvate dioxygenase; minus strand), TIALD (transcript inducer of AURKA lysosomal degradation; plus strand). Cytogenetic location: 12q24.31.
Variant type: single nucleotide variant.
Coding change: c.85G>A on transcript NM_002150.3 (MANE Select); coding-DNA position 85, G replaced by A.
Protein change: p.Ala29Thr; replaces alanine 29 with threonine.
Molecular consequence: missense variant. On other transcripts: 5 prime UTR variant (1).
Genome position (GRCh38, 1-based): chr12:121,857,765, C>T on the plus strand (G>A on the coding strand, the complement: HPD is on the minus strand). VCF-style: chr12-121857765-C-T. GRCh37 (hg19) VCF-style: chr12-122295671-C-T.
Other names: c.-33G>A (NM_001171993.2); c.85G>A (NM_002150.2); short protein forms A29T.
Identifiers: ClinVar variation 2061508 (VCV002061508.2), dbSNP rs373829918, ClinGen allele CA6839846.

ClinVar aggregate classification (germline): Uncertain significance. Review status: criteria provided, multiple submitters, no conflicts (2 of 4 stars). 2 submissions from 2 submitters: Uncertain significance (2). Last evaluated 2026-02-10.

Conditions:
Hawkinsinuria. Identifiers: Orphanet 2118, MedGen C2931042, MONDO:0007700, OMIM 140350, HP:0034457.
Tyrosinemia type III. Also called: Tyrosinemia type 3; 4-alpha hydroxyphenylpyruvic acid oxidase deficiency; 4-alpha hydroxyphenylpyruvate dioxygenase deficiency; 4-Hydroxyphenylpyruvate dioxygenase deficiency; 4-HYDROXYPHENYLPYRUVIC ACID OXIDASE DEFICIENCY. Identifiers: Orphanet 69723, MedGen C0268623, MONDO:0010162, OMIM 276710.
Inborn genetic diseases. Identifiers: MedGen C0950123, MeSH D030342.

Allele frequency attached by ClinVar (database versions not stated): ESP Exome Variant Server 0.00008.
gnomAD v4.1: 15 of 1,613,738 alleles (0.00093%); highest among the groups gnomAD compares: African/African-American, 0.013%; no homozygotes.

Submissions (2):

Ambry Genetics
Classification: Uncertain significance for Inborn genetic diseases. Last evaluated: 2026-02-10. Review status: criteria provided, single submitter. Criteria: Ambry Variant Classification Scheme 2023. Collection method: clinical testing. Allele origin: germline.
Comment: The c.85G>A (p.A29T) alteration is located in exon 3 (coding exon 3) of the HPD gene. This alteration results from a G to A substitution at nucleotide position 85, causing the alanine (A) at amino acid position 29 to be replaced by a threonine (T). Based on data from gnomAD, the A allele has an overall frequency of 0.001% (2/251280) total alleles studied. The highest observed frequency was 0.012% (2/16248) of African alleles. This amino acid position is highly conserved in available vertebrate species. This alteration is predicted to be deleterious by in silico analysis. Based on insufficient or conflicting evidence, the clinical significance of this alteration remains unclear.

Labcorp Genetics (formerly Invitae), Labcorp
Classification: Uncertain significance for Tyrosinemia type III; Hawkinsinuria. Last evaluated: 2022-06-05. Review status: criteria provided, single submitter. Criteria: Invitae Variant Classification Sherloc (09022015). Collection method: clinical testing. Allele origin: germline.
Comment: This sequence change replaces alanine, which is neutral and non-polar, with threonine, which is neutral and polar, at codon 29 of the HPD protein (p.Ala29Thr). This variant is present in population databases (rs373829918, gnomAD 0.01%). This variant has not been reported in the literature in individuals affected with HPD-related conditions. Algorithms developed to predict the effect of missense changes on protein structure and function are either unavailable or do not agree on the potential impact of this missense change (SIFT: "Deleterious"; PolyPhen-2: "Probably Damaging"; Align-GVGD: "Class C0"). In summary, the available evidence is currently insufficient to determine the role of this variant in disease. Therefore, it has been classified as a Variant of Uncertain Significance.

Literature cited by the submitters: PubMed 12888983 (cited by Ambry Genetics); PubMed 19630565 (cited by Ambry Genetics); PubMed 25255367 (cited by Ambry Genetics).